The following is an entry in ClinVar:

NC_012920.1(MT-CO2):m.8047T>C

Gene: MT-CO2 (mitochondrially encoded cytochrome c oxidase II; plus strand).
Variant type: single nucleotide variant.
Genome position: chrM-8047-T-C.
Identifiers: ClinVar variation 235679 (VCV000235679.3), dbSNP rs386829022, ClinGen allele CA10581399.

ClinVar aggregate classification (germline): Uncertain significance (1 of 4 stars; one submission).

Submission:

Center for Pediatric Genomic Medicine, Children's Mercy Hospital and Clinics
Classification: Uncertain significance. Last evaluated: 2015-12-22. Review status: criteria provided, single submitter. Criteria: ACMG Guidelines, 2015. Collection method: clinical testing. Allele origin: germline.
ClinVar note: Converted during submission from Uncertain Significance to Uncertain significance.